The following is an entry in ClinVar:

NM_016180.5(SLC45A2):c.*24A>C

Gene: SLC45A2 (solute carrier family 45 member 2; minus strand). Cytogenetic location: 5p13.2.
Variant type: single nucleotide variant.
Coding change: c.*24A>C on transcript NM_016180.5 (MANE Select); 24 bases downstream of the stop codon, A replaced by C.
Molecular consequence: 3 prime UTR variant.
Genome position (GRCh38, 1-based): chr5:33,944,624, T>G on the plus strand (A>C on the coding strand, the complement: SLC45A2 is on the minus strand). VCF-style: chr5-33944624-T-G. GRCh37 (hg19) VCF-style: chr5-33944729-T-G.
Identifiers: ClinVar variation 906956 (VCV000906956.5), dbSNP rs45552240, ClinGen allele CA3225399.

ClinVar aggregate classification (germline): Likely benign. Review status: criteria provided, multiple submitters, no conflicts (2 of 4 stars). 2 submissions from 2 submitters: Likely benign (2). Last evaluated 2018-01-13.

Conditions:
Oculocutaneous albinism type 4 (OCA4). Also called: Albinism, oculocutaneous, type IV. Identifiers: Orphanet 79435, MedGen C1847836, MONDO:0011683, OMIM 606574.

Allele frequency attached by ClinVar (database versions not stated): TOPMed 0.00114; gnomAD exomes 0.00571; ExAC 0.00703; 1000 Genomes Project 30x 0.00874; 1000 Genomes Project 0.00899; gnomAD 0.00205 and 0.00090; ESP Exome Variant Server 0.00085.
gnomAD v4.1: 5,214 of 1,611,258 alleles (0.32%); highest among the groups gnomAD compares: South Asian, 3.6%; 106 homozygotes.

Submissions (2):

Illumina Laboratory Services, Illumina
Classification: Likely benign for Oculocutaneous albinism type 4. Last evaluated: 2018-01-13. Review status: criteria provided, single submitter. Criteria: ICSL Variant Classification Criteria 13 December 2019. Collection method: clinical testing. Allele origin: germline.
Comment: This variant was observed in the ICSL laboratory as part of a predisposition screen in an ostensibly healthy population. It had not been previously curated by ICSL or reported in the Human Gene Mutation Database (HGMD: prior to June 1st, 2018), and was therefore a candidate for classification through an automated scoring system. Utilizing variant allele frequency, disease prevalence and penetrance estimates, and inheritance mode, an automated score was calculated to assess if this variant is too frequent to cause the disease. Based on the score and internal cut-off values, a variant classified as likely benign is not then subjected to further curation. The score for this variant resulted in a classification of likely benign for this disease.

Breakthrough Genomics
Classification: Likely benign. Review status: criteria provided, single submitter. Criteria: ACMG Guidelines, 2015. Collection method: not provided. Allele origin: germline. Inheritance: Autosomal recessive inheritance. Affected: yes.